The following is an entry in ClinVar:

ClinVar aggregate classification (germline): Uncertain significance. Review status: criteria provided, multiple submitters, no conflicts (2 of 4 stars). 2 submissions from 2 submitters: Uncertain significance (2). Last evaluated 2025-11-19.

Conditions:
Hereditary cancer-predisposing syndrome. Also called: Neoplastic Syndromes, Hereditary; Hereditary Cancer Syndrome; Tumor predisposition; Hereditary neoplastic syndrome. Identifiers: Orphanet 140162, MedGen C0027672, MeSH D009386, MONDO:0015356.
Bloom syndrome (BLM). Also called: Bloom-Torre-Machacek syndrome. Identifiers: Orphanet 125, MedGen C0005859, MONDO:0008876, OMIM 210900.

Submissions (2):

Labcorp Genetics (formerly Invitae), Labcorp
Classification: Uncertain significance for Bloom syndrome. Last evaluated: 2025-11-19. Review status: criteria provided, single submitter. Criteria: Invitae Variant Classification Sherloc (09022015). Collection method: clinical testing. Allele origin: germline.
Comment: This sequence change replaces serine, which is neutral and polar, with phenylalanine, which is neutral and non-polar, at codon 328 of the BLM protein (p.Ser328Phe). This variant is not present in population databases (gnomAD no frequency). This variant has not been reported in the literature in individuals affected with BLM-related conditions. ClinVar contains an entry for this variant (Variation ID: 1376907). Invitae Evidence Modeling of protein sequence and biophysical properties (such as structural, functional, and spatial information, amino acid conservation, physicochemical variation, residue mobility, and thermodynamic stability) indicates that this missense variant is not expected to disrupt BLM protein function with a negative predictive value of 80%. In summary, the available evidence is currently insufficient to determine the role of this variant in disease. Therefore, it has been classified as a Variant of Uncertain Significance.

Ambry Genetics
Classification: Uncertain significance for Hereditary cancer-predisposing syndrome. Last evaluated: 2024-07-02. Review status: criteria provided, single submitter. Criteria: Ambry Variant Classification Scheme 2023. Collection method: clinical testing. Allele origin: germline.
Comment: The p.S328F variant (also known as c.983C>T), located in coding exon 4 of the BLM gene, results from a C to T substitution at nucleotide position 983. The serine at codon 328 is replaced by phenylalanine, an amino acid with highly dissimilar properties. This amino acid position is conserved. In addition, this alteration is predicted to be tolerated by in silico analysis. Based on the available evidence, the clinical significance of this variant remains unclear.

NM_000057.4(BLM):c.983C>T (p.Ser328Phe)

Gene: BLM (BLM RecQ like helicase; plus strand). Cytogenetic location: 15q26.1.
Variant type: single nucleotide variant.
Coding change: c.983C>T on transcript NM_000057.4 (MANE Select); coding-DNA position 983, C replaced by T.
Protein change: p.Ser328Phe; replaces serine 328 with phenylalanine.
Molecular consequence: missense variant. On other transcripts: 5 prime UTR variant (1).
Genome position (GRCh38, 1-based): chr15:90,754,834, C>T. VCF-style: chr15-90754834-C-T. GRCh37 (hg19) VCF-style: chr15-91298064-C-T.
Other names: c.983C>T (NM_000057.2); c.983C>T, p.Ser328Phe (NM_001287246.2, NM_001287247.2); c.-309C>T (NM_001287248.2); short protein forms S328F.
Identifiers: ClinVar variation 1376907 (VCV001376907.9), dbSNP rs2151152099, ClinGen allele CA393842030.